The following is an entry in ClinVar:

NM_000018.4(ACADVL):c.1183-2A>C

Gene: ACADVL (acyl-CoA dehydrogenase very long chain; plus strand). Cytogenetic location: 17p13.1.
Variant type: single nucleotide variant.
Coding change: c.1183-2A>C on transcript NM_000018.4 (MANE Select); the canonical splice acceptor site of the intron before coding-DNA position 1183, A replaced by C.
Molecular consequence: splice acceptor variant.
Genome position (GRCh38, 1-based): chr17:7,223,642, A>C. VCF-style: chr17-7223642-A-C. GRCh37 (hg19) VCF-style: chr17-7126961-A-C.
Other names: c.1252-2A>C (NM_001270447.2); c.955-2A>C (NM_001270448.2); c.1117-2A>C (NM_001033859.3).
Identifiers: ClinVar variation 2860365 (VCV002860365.3), dbSNP rs2508339892, ClinGen allele CA397724534.

ClinVar aggregate classification (germline): Likely pathogenic (1 of 4 stars; one submission).

Conditions:
Very long chain acyl-CoA dehydrogenase deficiency (ACADVLD). Also called: Very Long-Chain Acyl-Coenzyme A Dehydrogenase Deficiency; VLCAD Deficiency. Identifiers: Orphanet 26793, MedGen C3887523, MONDO:0008723, OMIM 201475.

Submission:

Labcorp Genetics (formerly Invitae), Labcorp
Classification: Likely pathogenic for Very long chain acyl-CoA dehydrogenase deficiency. Last evaluated: 2023-04-28. Review status: criteria provided, single submitter. Criteria: Invitae Variant Classification Sherloc (09022015). Collection method: clinical testing. Allele origin: germline.
Comment: This variant has not been reported in the literature in individuals affected with ACADVL-related conditions. In summary, the currently available evidence indicates that the variant is pathogenic, but additional data are needed to prove that conclusively. Therefore, this variant has been classified as Likely Pathogenic. Algorithms developed to predict the effect of sequence changes on RNA splicing suggest that this variant may disrupt the consensus splice site. This variant is not present in population databases (gnomAD no frequency). This sequence change affects an acceptor splice site in intron 11 of the ACADVL gene. It is expected to disrupt RNA splicing. Variants that disrupt the donor or acceptor splice site typically lead to a loss of protein function (PMID: 16199547), and loss-of-function variants in ACADVL are known to be pathogenic (PMID: 9973285, 11590124).

Literature cited by the submitters: PubMed 16199547; PubMed 9973285; PubMed 11590124.